The following is an entry in ClinVar:

ClinVar aggregate classification (germline): Conflicting classifications of pathogenicity. Review status: criteria provided, conflicting classifications (1 of 4 stars). 7 submissions from 7 submitters: Uncertain significance (1); Likely benign (5). 1 of the submissions does not count toward it. Last evaluated 2026-01-12.

Conditions:
TSPEAR-related disorder. Also called: TSPEAR-related condition.
Inborn genetic diseases. Identifiers: MedGen C0950123, MeSH D030342.

Allele frequency attached by ClinVar (database versions not stated): 1000 Genomes Project 30x 0.00125; 1000 Genomes Project 0.00140; ExAC 0.00172; gnomAD exomes 0.00175 and 0.00250; gnomAD 0.00192 and 0.00194; ESP Exome Variant Server 0.00208; TOPMed 0.00235.
gnomAD v4.1: 3,923 of 1,611,910 alleles (0.24%); highest among the groups gnomAD compares: Non-Finnish European, 0.3%; 9 homozygotes.

Submissions (7):

Labcorp Genetics (formerly Invitae), Labcorp
Classification: Likely benign. Last evaluated: 2026-01-12. Review status: criteria provided, single submitter. Criteria: Invitae Variant Classification Sherloc (09022015). Collection method: clinical testing. Allele origin: germline.

CeGaT Center for Human Genetics Tuebingen
Classification: Likely benign. Last evaluated: 2025-12-01. Review status: criteria provided, single submitter. Criteria: CeGaT Center For Human Genetics Tuebingen Variant Classification Criteria Version 2. Collection method: clinical testing. Allele origin: germline. Affected: yes. Observed: 3 variant alleles.
Comment: TSPEAR: BS2

Blueprint Genetics
Classification: Likely benign. Last evaluated: 2024-11-21. Review status: criteria provided, single submitter. Criteria: ACMG Guidelines, 2015. Collection method: clinical testing. Allele origin: germline.

Ambry Genetics
Classification: Uncertain significance for Inborn genetic diseases. Last evaluated: 2022-06-29. Review status: criteria provided, single submitter. Criteria: Ambry Variant Classification Scheme 2023. Collection method: clinical testing. Allele origin: germline.

Laboratory for Molecular Medicine, Mass General Brigham Personalized Medicine
Classification: Likely benign. Last evaluated: 2017-08-10. Review status: criteria provided, single submitter. Criteria: LMM Criteria. Collection method: clinical testing. Allele origin: germline. Observed: 5 variant alleles.
Comment: p.Glu113Lys in exon 3 of TSPEAR: This variant is not expected to have clinical significance because it has been identified in 0.3% (331/123288) of European chr omosomes including 1 homozygote by the Genome Aggregation Database (gnomAD; dbSNP rs144166142).

Breakthrough Genomics
Classification: Likely benign. Review status: criteria provided, single submitter. Criteria: ACMG Guidelines, 2015. Collection method: not provided. Allele origin: germline. Inheritance: Autosomal recessive inheritance. Affected: yes.

PreventionGenetics, part of Exact Sciences
Classification: Likely benign for TSPEAR-related condition. Last evaluated: 2024-04-25. Review status: no assertion criteria provided. Collection method: clinical testing. Allele origin: germline. Not counted in ClinVar's aggregate classification.
Comment: This variant is classified as likely benign based on ACMG/AMP sequence variant interpretation guidelines (Richards et al. 2015 PMID: 25741868, with internal and published modifications).

NM_144991.3(TSPEAR):c.337G>A (p.Glu113Lys)

Gene: TSPEAR (thrombospondin type laminin G domain and EAR repeats; minus strand). Cytogenetic location: 21q22.3.
Variant type: single nucleotide variant.
Coding change: c.337G>A on transcript NM_144991.3 (MANE Select); coding-DNA position 337, G replaced by A.
Protein change: p.Glu113Lys; replaces glutamic acid 113 with lysine.
Molecular consequence: missense variant.
Genome position (GRCh38, 1-based): chr21:44,533,890, C>T on the plus strand (G>A on the coding strand, the complement: TSPEAR is on the minus strand). VCF-style: chr21-44533890-C-T. GRCh37 (hg19) VCF-style: chr21-45953773-C-T.
Other names: c.133G>A, p.Glu45Lys (NM_001272037.2); short protein forms E113K, E45K.
Identifiers: ClinVar variation 228052 (VCV000228052.52), dbSNP rs144166142, ClinGen allele CA10057054.
Genomic context (GRCh38, chr21:44,533,890, plus strand): 5'-GGAACAGGAAGTGCAGCTGGGCAGGTGACAACCGCAGGCCGAGCAGCAGCAGGTCGCTCT[C>T]CTCTGCCACCACCGTCAGCAGGTACTCGTTCCTCTGTGGAGAGCGGGCCAGGCTCAGGAC-3'
Protein context (NP_659428.2, residues 103-123): NEYLLTVVAE[Glu113Lys]SDLLLLGLRL